The following is an entry in ClinVar:

NM_014679.5(CEP57):c.1046C>T (p.Thr349Ile)

Gene: CEP57 (centrosomal protein 57; plus strand). Cytogenetic location: 11q21.
Variant type: single nucleotide variant.
Coding change: c.1046C>T on transcript NM_014679.5 (MANE Select); coding-DNA position 1046, C replaced by T.
Protein change: p.Thr349Ile; replaces threonine 349 with isoleucine.
Molecular consequence: missense variant.
Genome position (GRCh38, 1-based): chr11:95,827,946, C>T. VCF-style: chr11-95827946-C-T. GRCh37 (hg19) VCF-style: chr11-95561110-C-T.
Other names: c.1019C>T, p.Thr340Ile (NM_001243776.2); c.968C>T, p.Thr323Ile (NM_001243777.2); c.965C>T, p.Thr322Ile (NM_001363604.2); short protein forms T323I, T322I, T340I, T349I.
Identifiers: ClinVar variation 845465 (VCV000845465.8), dbSNP rs768090594, ClinGen allele CA6239670.

ClinVar aggregate classification (germline): Uncertain significance. Review status: criteria provided, multiple submitters, no conflicts (2 of 4 stars). 2 submissions from 2 submitters: Uncertain significance (2). Last evaluated 2024-12-06.

Conditions:
Mosaic variegated aneuploidy syndrome 2 (MVA2). Identifiers: Orphanet 1052, MedGen C3279843, MONDO:0013582, OMIM 614114.
Inborn genetic diseases. Identifiers: MedGen C0950123, MeSH D030342.

Allele frequency attached by ClinVar (database versions not stated): ExAC 0.00001; gnomAD 0.00001; gnomAD exomes 0.00001 and 0.00002; TOPMed 0.00001.
gnomAD v4.1: 6 of 1,613,962 alleles (0.00037%); highest among the groups gnomAD compares: Admixed American, 0.01%; no homozygotes.

Submissions (2):

Ambry Genetics
Classification: Uncertain significance for Inborn genetic diseases. Last evaluated: 2024-12-06. Review status: criteria provided, single submitter. Criteria: Ambry Variant Classification Scheme 2023. Collection method: clinical testing. Allele origin: germline.
Comment: The p.T349I variant (also known as c.1046C>T), located in coding exon 9 of the CEP57 gene, results from a C to T substitution at nucleotide position 1046. The threonine at codon 349 is replaced by isoleucine, an amino acid with similar properties. This amino acid position is conserved. In addition, this alteration is predicted to be tolerated by in silico analysis. Based on the available evidence, the clinical significance of this variant remains unclear.

Labcorp Genetics (formerly Invitae), Labcorp
Classification: Uncertain significance for Mosaic variegated aneuploidy syndrome 2. Last evaluated: 2024-04-25. Review status: criteria provided, single submitter. Criteria: Invitae Variant Classification Sherloc (09022015). Collection method: clinical testing. Allele origin: germline.
Comment: This sequence change replaces threonine, which is neutral and polar, with isoleucine, which is neutral and non-polar, at codon 349 of the CEP57 protein (p.Thr349Ile). This variant is present in population databases (rs768090594, gnomAD 0.01%). This variant has not been reported in the literature in individuals affected with CEP57-related conditions. ClinVar contains an entry for this variant (Variation ID: 845465). Advanced modeling of protein sequence and biophysical properties (such as structural, functional, and spatial information, amino acid conservation, physicochemical variation, residue mobility, and thermodynamic stability) performed at Invitae indicates that this missense variant is not expected to disrupt CEP57 protein function with a negative predictive value of 80%. In summary, the available evidence is currently insufficient to determine the role of this variant in disease. Therefore, it has been classified as a Variant of Uncertain Significance.